The following is an entry in ClinVar:

ClinVar aggregate classification (germline): Uncertain significance. Review status: criteria provided, multiple submitters, no conflicts (2 of 4 stars). 3 submissions from 3 submitters: Uncertain significance (3). Last evaluated 2024-12-25.

Conditions:
Familial thoracic aortic aneurysm and aortic dissection (TAAD). Also called: Thoracic aortic aneurysms and dissections. Identifiers: Orphanet 91387, MedGen C4707243, MONDO:0019625.
Arterial tortuosity syndrome (ATORS). Identifiers: Orphanet 3342, MedGen C1859726, MONDO:0008818, OMIM 208050.

Allele frequency attached by ClinVar (database versions not stated): TOPMed below 0.00001; gnomAD 0.00001; gnomAD exomes 0.00001.
gnomAD v4.1: 8 of 1,613,922 alleles (0.0005%); highest among the groups gnomAD compares: Non-Finnish European, 0.00068%; no homozygotes.

Submissions (3):

Labcorp Genetics (formerly Invitae), Labcorp
Classification: Uncertain significance for Arterial tortuosity syndrome. Last evaluated: 2024-12-25. Review status: criteria provided, single submitter. Criteria: Invitae Variant Classification Sherloc (09022015). Collection method: clinical testing. Allele origin: germline.
Comment: This sequence change replaces tyrosine, which is neutral and polar, with asparagine, which is neutral and polar, at codon 216 of the SLC2A10 protein (p.Tyr216Asn). This variant is present in population databases (no rsID available, gnomAD 0.007%). This variant has not been reported in the literature in individuals affected with SLC2A10-related conditions. ClinVar contains an entry for this variant (Variation ID: 841511). Invitae Evidence Modeling of protein sequence and biophysical properties (such as structural, functional, and spatial information, amino acid conservation, physicochemical variation, residue mobility, and thermodynamic stability) has been performed for this missense variant. However, the output from this modeling did not meet the statistical confidence thresholds required to predict the impact of this variant on SLC2A10 protein function. In summary, the available evidence is currently insufficient to determine the role of this variant in disease. Therefore, it has been classified as a Variant of Uncertain Significance.

Ambry Genetics
Classification: Uncertain significance for Familial thoracic aortic aneurysm and aortic dissection. Last evaluated: 2022-11-02. Review status: criteria provided, single submitter. Criteria: Ambry Variant Classification Scheme 2023. Collection method: clinical testing. Allele origin: germline.
Comment: The p.Y216N variant (also known as c.646T>A), located in coding exon 2 of the SLC2A10 gene, results from a T to A substitution at nucleotide position 646. The tyrosine at codon 216 is replaced by asparagine, an amino acid with dissimilar properties. This amino acid position is well conserved in available vertebrate species. In addition, this alteration is predicted to be tolerated by in silico analysis. Since supporting evidence is limited at this time, the clinical significance of this alteration remains unclear.

GeneDx
Classification: Uncertain significance. Last evaluated: 2019-05-14. Review status: criteria provided, single submitter. Criteria: GeneDx Variant Classification Process June 2021. Collection method: clinical testing. Allele origin: germline. Affected: yes.

NM_030777.4(SLC2A10):c.646T>A (p.Tyr216Asn)

Gene: SLC2A10 (solute carrier family 2 member 10; plus strand). Cytogenetic location: 20q13.12.
Variant type: single nucleotide variant.
Coding change: c.646T>A on transcript NM_030777.4 (MANE Select); coding-DNA position 646, T replaced by A.
Protein change: p.Tyr216Asn; replaces tyrosine 216 with asparagine.
Molecular consequence: missense variant.
Genome position (GRCh38, 1-based): chr20:46,725,682, T>A. VCF-style: chr20-46725682-T-A. GRCh37 (hg19) VCF-style: chr20-45354321-T-A.
Other names: short protein forms Y216N.
Identifiers: ClinVar variation 841511 (VCV000841511.13), dbSNP rs1269438372, ClinGen allele CA409267577.